The following is an entry in ClinVar:

NM_001286577.2(C2CD3):c.3475C>A (p.Pro1159Thr)

Gene: C2CD3 (C2 domain containing 3 centriole elongation regulator; minus strand). Cytogenetic location: 11q13.4.
Variant type: single nucleotide variant.
Coding change: c.3475C>A on transcript NM_001286577.2 (MANE Select); coding-DNA position 3475, C replaced by A.
Protein change: p.Pro1159Thr; replaces proline 1159 with threonine.
Molecular consequence: missense variant.
Genome position (GRCh38, 1-based): chr11:74,092,458, G>T on the plus strand (C>A on the coding strand, the complement: C2CD3 is on the minus strand). VCF-style: chr11-74092458-G-T. GRCh37 (hg19) VCF-style: chr11-73803503-G-T.
Other names: c.3475C>A, p.Pro1159Thr (NM_015531.6); short protein forms P1159T.
Identifiers: ClinVar variation 4773046 (VCV004773046.1).

ClinVar aggregate classification (germline): Uncertain significance (1 of 4 stars; one submission).

gnomAD v4.1: 5 of 1,613,726 alleles (0.00031%); highest among the groups gnomAD compares: Non-Finnish European, 0.00042%; no homozygotes.

Submission:

Labcorp Genetics (formerly Invitae), Labcorp
Classification: Uncertain significance. Last evaluated: 2025-05-01. Review status: criteria provided, single submitter. Criteria: Invitae Variant Classification Sherloc (09022015). Collection method: clinical testing. Allele origin: germline.
Comment: This sequence change replaces proline, which is neutral and non-polar, with threonine, which is neutral and polar, at codon 1159 of the C2CD3 protein (p.Pro1159Thr). This variant is not present in population databases (gnomAD no frequency). This variant has not been reported in the literature in individuals affected with C2CD3-related conditions. Invitae Evidence Modeling of protein sequence and biophysical properties (such as structural, functional, and spatial information, amino acid conservation, physicochemical variation, residue mobility, and thermodynamic stability) indicates that this missense variant is expected to disrupt C2CD3 protein function with a positive predictive value of 80%. In summary, the available evidence is currently insufficient to determine the role of this variant in disease. Therefore, it has been classified as a Variant of Uncertain Significance.